The following is an entry in ClinVar:

NM_001330260.2(SCN8A):c.1635+102G>A

Gene: SCN8A (sodium voltage-gated channel alpha subunit 8; plus strand). Cytogenetic location: 12q13.13.
Variant type: single nucleotide variant.
Coding change: c.1635+102G>A on transcript NM_001330260.2 (MANE Select); 102 bases into the intron after coding-DNA position 1635, G replaced by A.
Molecular consequence: intron variant.
Genome position (GRCh38, 1-based): chr12:51,706,817, G>A. VCF-style: chr12-51706817-G-A. GRCh37 (hg19) VCF-style: chr12-52100601-G-A.
Other names: c.1635+102G>A (NM_014191.4, NM_001177984.3, NM_001369788.1).
Identifiers: ClinVar variation 677315 (VCV000677315.1), dbSNP rs143117582, ClinGen allele CA236264097.
Genomic context (GRCh38, chr12:51,706,817, plus strand): 5'-TTTTATTAAGGTAAAATGTGTATATGTATATTATACCATCTTTACCATTTTAAGTGTACC[G>A]TTCAGTGTTAAGCACAATTATATTCTTCTTTTTCCTCTTTCATCCCCTCTATCCCCTCTT-3'

ClinVar aggregate classification (germline): Likely benign (1 of 4 stars; one submission).

Allele frequency attached by ClinVar (database versions not stated): gnomAD exomes 0.00032; gnomAD 0.00287 and 0.00300; TOPMed 0.00297; 1000 Genomes Project 30x 0.00328; 1000 Genomes Project 0.00399.
gnomAD v4.1: 660 of 857,606 alleles (0.077%); highest among the groups gnomAD compares: African/African-American, 1%; 1 homozygote.

Submission:

GeneDx
Classification: Likely benign. Last evaluated: 2018-06-14. Review status: criteria provided, single submitter. Criteria: GeneDx Variant Classification (06012015). Collection method: clinical testing. Allele origin: germline. Affected: yes.
Comment: This variant is considered likely benign or benign based on one or more of the following criteria: it is a conservative change, it occurs at a poorly conserved position in the protein, it is predicted to be benign by multiple in silico algorithms, and/or has population frequency not consistent with disease.